The following is an entry in ClinVar:

ClinVar aggregate classification (germline): Likely benign. Review status: criteria provided, multiple submitters, no conflicts (2 of 4 stars). 2 submissions from 2 submitters: Likely benign (2). Last evaluated 2024-11-01.

Conditions:
Inborn genetic diseases. Identifiers: MedGen C0950123, MeSH D030342.

Allele frequency attached by ClinVar (database versions not stated): gnomAD 0.00002; gnomAD exomes 0.00003; TOPMed 0.00003; ExAC 0.00007.
gnomAD v4.1: 52 of 1,613,858 alleles (0.0032%); highest among the groups gnomAD compares: Non-Finnish European, 0.004%; no homozygotes.

Submissions (2):

CeGaT Center for Human Genetics Tuebingen
Classification: Likely benign. Last evaluated: 2024-11-01. Review status: criteria provided, single submitter. Criteria: CeGaT Center For Human Genetics Tuebingen Variant Classification Criteria Version 2. Collection method: clinical testing. Allele origin: germline. Affected: yes. Observed: 1 variant allele.
Comment: CUX1: BS1

Ambry Genetics
Classification: Likely benign for Inborn genetic diseases. Last evaluated: 2024-01-02. Review status: criteria provided, single submitter. Criteria: Ambry Variant Classification Scheme 2023. Collection method: clinical testing. Allele origin: germline.

NM_181552.4(CUX1):c.676G>A (p.Ala226Thr)

Gene: CUX1 (cut like homeobox 1; plus strand). Cytogenetic location: 7q22.1.
Variant type: single nucleotide variant.
Coding change: c.676G>A on transcript NM_181552.4 (MANE Select); coding-DNA position 676, G replaced by A.
Protein change: p.Ala226Thr; replaces alanine 226 with threonine.
Molecular consequence: missense variant.
Genome position (GRCh38, 1-based): chr7:102,158,561, G>A. VCF-style: chr7-102158561-G-A. GRCh37 (hg19) VCF-style: chr7-101801841-G-A.
Other names: c.709G>A, p.Ala237Thr (NM_001202543.2, NM_001913.5, NM_181500.4); c.661G>A, p.Ala221Thr (NM_001202544.3); c.571G>A, p.Ala191Thr (NM_001202545.3); c.598G>A, p.Ala200Thr (NM_001202546.3); short protein forms A200T, A221T, A191T, A226T, A237T.
Identifiers: ClinVar variation 3079053 (VCV003079053.15), dbSNP rs782292066, ClinGen allele CA4410580.